The following is an entry in ClinVar:

NM_006206.6(PDGFRA):c.2720A>C (p.Asn907Thr)

Gene: PDGFRA (platelet derived growth factor receptor alpha; plus strand). Cytogenetic location: 4q12.
Variant type: single nucleotide variant.
Coding change: c.2720A>C on transcript NM_006206.6 (MANE Select); coding-DNA position 2720, A replaced by C.
Protein change: p.Asn907Thr; replaces asparagine 907 with threonine.
Molecular consequence: missense variant.
Genome position (GRCh38, 1-based): chr4:54,288,844, A>C. VCF-style: chr4-54288844-A-C. GRCh37 (hg19) VCF-style: chr4-55155011-A-C.
Other names: c.2795A>C, p.Asn932Thr (NM_001347828.2); c.2720A>C, p.Asn907Thr (NM_001347829.2); c.2759A>C, p.Asn920Thr (NM_001347830.2); short protein forms N932T, N907T, N920T.
Identifiers: ClinVar variation 1795188 (VCV001795188.2), dbSNP rs1560491697, ClinGen allele CA356895499.
Genomic context (GRCh38, chr4:54,288,844, plus strand): 5'-TTGTTTGGCTTTTAGGTGGCACCCCTTACCCCGGCATGATGGTGGATTCTACTTTCTACA[A>C]TAAGATCAAGAGTGGGTACCGGATGGCCAAGCCTGACCACGCTACCAGTGAAGTGTGAGC-3'
Protein context (NP_006197.1, residues 897-917): PGMMVDSTFY[Asn907Thr]KIKSGYRMAK

ClinVar aggregate classification (germline): Uncertain significance (1 of 4 stars; one submission).

Conditions:
Hereditary cancer-predisposing syndrome. Also called: Tumor predisposition; Hereditary Cancer Syndrome; Neoplastic Syndromes, Hereditary; Hereditary neoplastic syndrome. Identifiers: Orphanet 140162, MedGen C0027672, MeSH D009386, MONDO:0015356.

Submission:

Ambry Genetics
Classification: Uncertain significance for Hereditary cancer-predisposing syndrome. Last evaluated: 2021-10-05. Review status: criteria provided, single submitter. Criteria: Ambry Variant Classification Scheme 2023. Collection method: clinical testing. Allele origin: germline.
Comment: The p.N907T variant (also known as c.2720A>C), located in coding exon 19 of the PDGFRA gene, results from an A to C substitution at nucleotide position 2720. The asparagine at codon 907 is replaced by threonine, an amino acid with similar properties. This amino acid position is conserved. In addition, the in silico prediction for this alteration is inconclusive. Since supporting evidence is limited at this time, the clinical significance of this alteration remains unclear.